The following is an entry in ClinVar:

ClinVar aggregate classification (germline): Uncertain significance (1 of 4 stars; one submission).

Allele frequency attached by ClinVar (database versions not stated): ExAC 0.00007; gnomAD 0.00007; gnomAD exomes 0.00008; TOPMed 0.00010.
gnomAD v4.1: 121 of 1,613,050 alleles (0.0075%); highest among the groups gnomAD compares: East Asian, 0.038%; no homozygotes.

Submission:

Labcorp Genetics (formerly Invitae), Labcorp
Classification: Uncertain significance. Last evaluated: 2025-06-27. Review status: criteria provided, single submitter. Criteria: Invitae Variant Classification Sherloc (09022015). Collection method: clinical testing. Allele origin: germline.
Comment: This sequence change replaces proline, which is neutral and non-polar, with leucine, which is neutral and non-polar, at codon 717 of the NFATC1 protein (p.Pro717Leu). This variant is present in population databases (rs774688540, gnomAD 0.07%), and has an allele count higher than expected for a pathogenic variant. This variant has not been reported in the literature in individuals affected with NFATC1-related conditions. ClinVar contains an entry for this variant (Variation ID: 2711846). An algorithm developed to predict the effect of missense changes on protein structure and function (PolyPhen-2) suggests that this variant is likely to be tolerated. In summary, the available evidence is currently insufficient to determine the role of this variant in disease. Therefore, it has been classified as a Variant of Uncertain Significance.

NM_001278669.2(NFATC1):c.2150C>T (p.Pro717Leu)

Gene: NFATC1 (nuclear factor of activated T cells 1; plus strand). Cytogenetic location: 18q23.
Variant type: single nucleotide variant.
Coding change: c.2150C>T on transcript NM_001278669.2 (MANE Select); coding-DNA position 2150, C replaced by T.
Protein change: p.Pro717Leu; replaces proline 717 with leucine.
Molecular consequence: missense variant. On other transcripts: intron variant (2).
Genome position (GRCh38, 1-based): chr18:79,486,305, C>T. VCF-style: chr18-79486305-C-T. GRCh37 (hg19) VCF-style: chr18-77246305-C-T.
Other names: c.734C>T, p.Pro245Leu (NM_001278673.2, NM_172388.3); c.2150C>T, p.Pro717Leu (NM_006162.5); c.2111C>T, p.Pro704Leu (NM_172387.3, NM_172389.3); c.2092+18723C>T (NM_001278670.2); c.2053+18723C>T (NM_001278672.2); short protein forms P245L, P704L, P717L.
Identifiers: ClinVar variation 2711846 (VCV002711846.3), dbSNP rs774688540, ClinGen allele CA9009542.
Genomic context (GRCh38, chr18:79,486,305, plus strand): 5'-CAGTTCCAATTATAAAAACAGAACCCACTGATGATTATGAGCCTGCTCCAACCTGTGGAC[C>T]GGTGAGCCAGGGGTTAAGTCCTCTCCCAAGACCATACTACAGCCAGCAGCTCGCGATGCC-3'
Protein context (NP_001265598.1, residues 707-727): DDYEPAPTCG[Pro717Leu]VSQGLSPLPR